The following is an entry in ClinVar:

ClinVar aggregate classification (germline): Uncertain significance (1 of 4 stars; one submission).

Submission:

GeneDx
Classification: Uncertain significance. Last evaluated: 2024-09-19. Review status: criteria provided, single submitter. Criteria: GeneDx Variant Classification Process June 2021. Collection method: clinical testing. Allele origin: germline. Affected: yes.
Comment: Not observed at significant frequency in large population cohorts (gnomAD); In silico analysis indicates that this missense variant does not alter protein structure/function; Has not been previously published as pathogenic or benign to our knowledge

NM_031407.7(HUWE1):c.4520C>G (p.Thr1507Arg)

Gene: HUWE1 (HECT, UBA and WWE domain containing E3 ubiquitin protein ligase 1; minus strand). Cytogenetic location: Xp11.22.
Variant type: single nucleotide variant.
Coding change: c.4520C>G on transcript NM_031407.7 (MANE Select); coding-DNA position 4520, C replaced by G.
Protein change: p.Thr1507Arg; replaces threonine 1507 with arginine.
Molecular consequence: missense variant.
Genome position (GRCh38, 1-based): chrX:53,588,476, G>C on the plus strand (C>G on the coding strand, the complement: HUWE1 is on the minus strand). VCF-style: chrX-53588476-G-C. GRCh37 (hg19) VCF-style: chrX-53615436-G-C.
Other names: short protein forms T1507R.
Identifiers: ClinVar variation 3774258 (VCV003774258.1).